The following is an entry in ClinVar:

ClinVar aggregate classification (germline): Uncertain significance (1 of 4 stars; one submission).

Submission:

Ambry Genetics
Classification: Uncertain significance. Last evaluated: 2025-03-12. Review status: criteria provided, single submitter. Criteria: Ambry Variant Classification Scheme 2023. Collection method: clinical testing. Allele origin: germline.
Comment: The p.A709T variant (also known as c.2125G>A), located in coding exon 13 of the GEN1 gene, results from a G to A substitution at nucleotide position 2125. The alanine at codon 709 is replaced by threonine, an amino acid with similar properties. This amino acid position is conserved. In addition, this alteration is predicted to be tolerated by in silico analysis. Based on the available evidence, the clinical significance of this variant remains unclear.

NM_001130009.3(GEN1):c.2125G>A (p.Ala709Thr)

Gene: GEN1 (GEN1 Holliday junction 5' flap endonuclease; plus strand). Cytogenetic location: 2p24.2.
Variant type: single nucleotide variant.
Coding change: c.2125G>A on transcript NM_001130009.3 (MANE Select); coding-DNA position 2125, G replaced by A.
Protein change: p.Ala709Thr; replaces alanine 709 with threonine.
Molecular consequence: missense variant.
Genome position (GRCh38, 1-based): chr2:17,781,337, G>A. VCF-style: chr2-17781337-G-A. GRCh37 (hg19) VCF-style: chr2-17962604-G-A.
Other names: c.2125G>A, p.Ala709Thr (NM_182625.5); short protein forms A709T.
Identifiers: ClinVar variation 3853629 (VCV003853629.1).